The following is an entry in ClinVar:

NM_002834.5(PTPN11):c.372A>T (p.Lys124Asn)

Gene: PTPN11 (protein tyrosine phosphatase non-receptor type 11; plus strand). Cytogenetic location: 12q24.13.
Variant type: single nucleotide variant.
Coding change: c.372A>T on transcript NM_002834.5 (MANE Select); coding-DNA position 372, A replaced by T.
Protein change: p.Lys124Asn; replaces lysine 124 with asparagine.
Molecular consequence: missense variant.
Genome position (GRCh38, 1-based): chr12:112,453,234, A>T. VCF-style: chr12-112453234-A-T. GRCh37 (hg19) VCF-style: chr12-112891038-A-T.
Other names: c.372A>T, p.Lys124Asn (NM_001330437.2, NM_080601.3); c.369A>T, p.Lys123Asn (NM_001374625.1); short protein forms K123N, K124N.
Identifiers: ClinVar variation 5027616 (VCV005027616.1).

ClinVar aggregate classification (germline): Uncertain significance (1 of 4 stars; one submission).

Conditions:
Cardiovascular phenotype. Identifiers: MedGen CN230736.

Submission:

Ambry Genetics
Classification: Uncertain significance for Cardiovascular phenotype. Last evaluated: 2026-07-04. Review status: criteria provided, single submitter. Criteria: Ambry Variant Classification Scheme 2023. Collection method: clinical testing. Allele origin: germline.
Comment: The p.K124N variant (also known as c.372A>T), located in coding exon 4 of the PTPN11 gene, results from an A to T substitution at nucleotide position 372. The lysine at codon 124 is replaced by asparagine, an amino acid with similar properties. This amino acid position is conserved. In addition, the in silico prediction for this alteration is inconclusive. Based on the available evidence, the clinical significance of this variant remains unclear.